The following is an entry in ClinVar:

ClinVar aggregate classification (germline): Conflicting classifications of pathogenicity. Review status: criteria provided, conflicting classifications (1 of 4 stars). 2 submissions from 2 submitters: Uncertain significance (1); Likely benign (1). Last evaluated 2025-12-01.

Conditions:
Neutropenia, severe congenital, 1, autosomal dominant. Identifiers: MedGen C1859966, MONDO:0042490, OMIM 202700.
Cyclical neutropenia. Also called: Cyclic Neutropenia; Cyclic hematopoiesis. Identifiers: Orphanet 2686, MedGen C0221023, MONDO:0008090, OMIM 162800, HP:0040289. Disease mechanism: loss of function.

Allele frequency attached by ClinVar (database versions not stated): gnomAD exomes below 0.00001 and 0.00001; ExAC 0.00001; TOPMed 0.00002; gnomAD 0.00003 and 0.00004.

Submissions (2):

Labcorp Genetics (formerly Invitae), Labcorp
Classification: Uncertain significance for Neutropenia, severe congenital, 1, autosomal dominant; Cyclical neutropenia. Last evaluated: 2025-12-01. Review status: criteria provided, single submitter. Criteria: Invitae Variant Classification Sherloc (09022015). Collection method: clinical testing. Allele origin: germline.
Comment: This sequence change replaces serine, which is neutral and polar, with proline, which is neutral and non-polar, at codon 90 of the ELANE protein (p.Ser90Pro). This variant is present in population databases (rs753965718, gnomAD 0.01%). This variant has not been reported in the literature in individuals affected with ELANE-related conditions. ClinVar contains an entry for this variant (Variation ID: 514379). Invitae Evidence Modeling of protein sequence and biophysical properties (such as structural, functional, and spatial information, amino acid conservation, physicochemical variation, residue mobility, and thermodynamic stability) indicates that this missense variant is not expected to disrupt ELANE protein function with a negative predictive value of 95%. In summary, the available evidence is currently insufficient to determine the role of this variant in disease. Therefore, it has been classified as a Variant of Uncertain Significance.

GeneDx
Classification: Likely benign. Last evaluated: 2018-01-02. Review status: criteria provided, single submitter. Criteria: GeneDx Variant Classification (06012015). Collection method: clinical testing. Allele origin: germline. Affected: yes.
Comment: This variant is considered likely benign or benign based on one or more of the following criteria: it is a conservative change, it occurs at a poorly conserved position in the protein, it is predicted to be benign by multiple in silico algorithms, and/or has population frequency not consistent with disease.

NM_001972.4(ELANE):c.268T>C (p.Ser90Pro)

Gene: ELANE (elastase, neutrophil expressed; plus strand). Cytogenetic location: 19p13.3.
Variant type: single nucleotide variant.
Coding change: c.268T>C on transcript NM_001972.4 (MANE Select); coding-DNA position 268, T replaced by C.
Protein change: p.Ser90Pro; replaces serine 90 with proline.
Molecular consequence: missense variant.
Genome position (GRCh38, 1-based): chr19:853,305, T>C. VCF-style: chr19-853305-T-C. GRCh37 (hg19) VCF-style: chr19-853305-T-C.
Other names: c.268T>C (LRG_57t1); short protein forms S90P.
Identifiers: ClinVar variation 514379 (VCV000514379.2), dbSNP rs753965718, ClinGen allele CA9025989.